The following is an entry in ClinVar:

NM_001278064.2(GRM1):c.436T>C (p.Ser146Pro)

Gene: GRM1 (glutamate metabotropic receptor 1; plus strand). Cytogenetic location: 6q24.3.
Variant type: single nucleotide variant.
Coding change: c.436T>C on transcript NM_001278064.2 (MANE Select); coding-DNA position 436, T replaced by C.
Protein change: p.Ser146Pro; replaces serine 146 with proline.
Molecular consequence: missense variant.
Genome position (GRCh38, 1-based): chr6:146,029,953, T>C. VCF-style: chr6-146029953-T-C. GRCh37 (hg19) VCF-style: chr6-146351089-T-C.
Other names: c.436T>C, p.Ser146Pro (NM_001278065.2, NM_001278066.1, NM_001278067.1); short protein forms S146P.
Identifiers: ClinVar variation 4712282 (VCV004712282.1).

ClinVar aggregate classification (germline): Uncertain significance (1 of 4 stars; one submission).

Submission:

Labcorp Genetics (formerly Invitae), Labcorp
Classification: Uncertain significance. Last evaluated: 2025-02-10. Review status: criteria provided, single submitter. Criteria: Invitae Variant Classification Sherloc (09022015). Collection method: clinical testing. Allele origin: germline.
Comment: This sequence change replaces serine, which is neutral and polar, with proline, which is neutral and non-polar, at codon 146 of the GRM1 protein (p.Ser146Pro). This variant is not present in population databases (gnomAD no frequency). This variant has not been reported in the literature in individuals affected with GRM1-related conditions. An algorithm developed to predict the effect of missense changes on protein structure and function outputs the following: PolyPhen-2: "Benign". The proline amino acid residue is found in multiple mammalian species, which suggests that this missense change does not adversely affect protein function. In summary, the available evidence is currently insufficient to determine the role of this variant in disease. Therefore, it has been classified as a Variant of Uncertain Significance.